The following is an entry in ClinVar:

NM_000540.3(RYR1):c.644G>A (p.Gly215Glu)

Gene: RYR1 (ryanodine receptor 1; plus strand). Cytogenetic location: 19q13.2.
Variant type: single nucleotide variant.
Coding change: c.644G>A on transcript NM_000540.3 (MANE Select); coding-DNA position 644, G replaced by A.
Protein change: p.Gly215Glu; replaces glycine 215 with glutamic acid.
Molecular consequence: missense variant.
Genome position (GRCh38, 1-based): chr19:38,446,484, G>A. VCF-style: chr19-38446484-G-A. GRCh37 (hg19) VCF-style: chr19-38937124-G-A.
Other names: c.644G>A, p.Gly215Glu (NM_001042723.2); short protein forms G215E.
Identifiers: ClinVar variation 65940 (VCV000065940.4), dbSNP rs118192115, ClinGen allele CA024583.

ClinVar aggregate classification (germline): Uncertain significance. Review status: criteria provided, single submitter (1 of 4 stars). 3 submissions from 3 submitters: Uncertain significance (1). 2 of the submissions do not count toward it. Last evaluated 2023-04-27.

Conditions:
Malignant hyperthermia, susceptibility to, 1 (MHS1). Also called: Anesthesia related hyperthermia; Malignant hyperpyrexia; Fulminating hyperpyrexia; Pharmacogenic myopathy; RYR1-Related Malignant Hyperthermia Susceptibility; Malignant hyperthermia suceptibility 1. Identifiers: Orphanet 423, MedGen C2930980, MONDO:0007783, OMIM 145600.
Central core myopathy (CMYO1A). Also called: CONGENITAL MYOPATHY 1A, AUTOSOMAL DOMINANT, WITH SUSCEPTIBILITY TO MALIGNANT HYPERTHERMIA; Central core disease; Myopathy, central fibrillar. Identifiers: Orphanet 597, MedGen C5830701, MONDO:0007294, OMIM 117000.

gnomAD v4.1: 2 of 1,613,956 alleles (0.00012%); highest among the groups gnomAD compares: Non-Finnish European, 0.00017%; no homozygotes.

Submissions (3):

All of Us Research Program, National Institutes of Health
Classification: Uncertain significance for Malignant hyperthermia, susceptibility to, 1. Last evaluated: 2023-04-27. Review status: criteria provided, single submitter. Criteria: ACMG Guidelines, 2015. Collection method: clinical testing. Allele origin: germline. Inheritance: Autosomal dominant inheritance. Observed: 1 variant allele, 1 heterozygote.
Comment: This study involves interpretation of variants in research participants for the purpose of population health screening. Participant phenotype was not available at the time of variant classification. Additional details can be found in publication PMID: 35346344, PMCID: PMC8962531

GeneReviews
Classification: Pathogenic for Central Core Disease. Last evaluated: 2010-05-11. Review status: no assertion criteria provided. Collection method: curation. Allele origin: unknown. Not counted in ClinVar's aggregate classification.
ClinVar note: Converted during submission from pathologic to Pathogenic.

RYR1 database
No classification provided. Review status: no classification provided. Collection method: not provided. Allele origin: unknown. Not counted in ClinVar's aggregate classification.